The following is an entry in ClinVar:

ClinVar aggregate classification (germline): Uncertain significance (1 of 4 stars; one submission).

Allele frequency attached by ClinVar (database versions not stated): TOPMed below 0.00001; gnomAD 0.00001; gnomAD exomes 0.00001.

Submission:

Labcorp Genetics (formerly Invitae), Labcorp
Classification: Uncertain significance. Last evaluated: 2023-08-16. Review status: criteria provided, single submitter. Criteria: Invitae Variant Classification Sherloc (09022015). Collection method: clinical testing. Allele origin: germline.
Comment: In summary, the available evidence is currently insufficient to determine the role of this variant in disease. Therefore, it has been classified as a Variant of Uncertain Significance. Experimental studies and prediction algorithms are not available or were not evaluated, and the functional significance of this variant is currently unknown. ClinVar contains an entry for this variant (Variation ID: 1504534). This variant has not been reported in the literature in individuals affected with ADGRA3-related conditions. This variant is present in population databases (no rsID available, gnomAD 0.002%). This sequence change results in a frameshift in the ADGRA3 gene (p.Thr1320Leufs*14). While this is not anticipated to result in nonsense mediated decay, it is expected to disrupt the last 2 amino acid(s) of the ADGRA3 protein and extend the protein by 11 additional amino acid residues.

NM_145290.4(ADGRA3):c.3958del (p.Thr1320fs)

Gene: ADGRA3 (adhesion G protein-coupled receptor A3; minus strand). Cytogenetic location: 4p15.2.
Variant type: Deletion.
Coding change: c.3958del on transcript NM_145290.4 (MANE Select); coding-DNA position 3958, one base deleted (A; older notation c.3958delA).
Protein change: p.Thr1320fs; shifts the reading frame from threonine 1320.
Molecular consequence: frameshift variant.
Genome position (GRCh38, 1-based): chr4:22,387,713, T deleted on the plus strand (A on the coding strand, the reverse complement: ADGRA3 is on the minus strand). VCF-style (leftmost placement, unchanged base first): chr4-22387712-GT-G. GRCh37 (hg19) VCF-style: chr4-22389335-GT-G.
Other names: short protein forms T1320fs.
Identifiers: ClinVar variation 1504534 (VCV001504534.6), dbSNP rs1472799334, ClinGen allele CA550274905.
Genomic context (GRCh38, chr4:22,387,712, plus strand): 5'-GGAATGTGAGTATCACAGTTTATATGAATTTCTGCCTAGGAAGCCCAGCAATGTTACACA[GT>G]AGTTTCGTGTTTCCATAATCCAGTCCTAACATTGCCAGTGCTATCGGTACCGAGCAAGGG-3'